The following is an entry in ClinVar:

ClinVar aggregate classification (germline): Uncertain significance (1 of 4 stars; one submission).

Submission:

GeneDx
Classification: Uncertain significance. Last evaluated: 2019-08-27. Review status: criteria provided, single submitter. Criteria: GeneDx Variant Classification Process June 2021. Collection method: clinical testing. Allele origin: germline. Affected: yes.
Comment: Not observed at a significant frequency in large population cohorts (Lek et al., 2016); In silico analysis, which includes protein predictors and evolutionary conservation, supports a deleterious effect; Has not been previously published as pathogenic or benign to our knowledge

NM_001371727.1(GABRB2):c.428A>G (p.His143Arg)

Gene: GABRB2 (gamma-aminobutyric acid type A receptor subunit beta2; minus strand). Cytogenetic location: 5q34.
Variant type: single nucleotide variant.
Coding change: c.428A>G on transcript NM_001371727.1 (MANE Select); coding-DNA position 428, A replaced by G.
Protein change: p.His143Arg; replaces histidine 143 with arginine.
Molecular consequence: missense variant.
Genome position (GRCh38, 1-based): chr5:161,459,654, T>C on the plus strand (A>G on the coding strand, the complement: GABRB2 is on the minus strand). VCF-style: chr5-161459654-T-C. GRCh37 (hg19) VCF-style: chr5-160886660-T-C.
Other names: c.428A>G, p.His143Arg (NM_000813.3, NM_021911.3); short protein forms H143R.
Identifiers: ClinVar variation 1304103 (VCV001304103.2), dbSNP rs2113263743, ClinGen allele CA362173755.